The following is an entry in ClinVar:

ClinVar aggregate classification (germline): Benign/Likely benign. Review status: criteria provided, multiple submitters, no conflicts (2 of 4 stars). 8 submissions from 5 submitters: Benign (5); Likely benign (3). Last evaluated 2025-10-29.

Conditions:
Autosomal recessive limb-girdle muscular dystrophy type 2J (LGMDR10). Also called: Limb-girdle muscular dystrophy, type 2J; MUSCULAR DYSTROPHY, LIMB-GIRDLE, AUTOSOMAL RECESSIVE 10. Identifiers: Orphanet 140922, MedGen C1837342, MONDO:0012127, OMIM 608807.
Dilated cardiomyopathy 1G (CMD1G). Identifiers: Orphanet 154, MedGen C1858763, MONDO:0011400, OMIM 604145.
Cardiovascular phenotype. Identifiers: MedGen CN230736.
Early-onset myopathy with fatal cardiomyopathy (CMYO5). Also called: Salih Myopathy; CONGENITAL MYOPATHY 5 WITH CARDIOMYOPATHY. Identifiers: Orphanet 289377, MedGen C2673677, MONDO:0012714, OMIM 611705. Disease mechanism: loss of function.
Myopathy, myofibrillar, 9, with early respiratory failure (MFM9). Also called: Hereditary myopathy with early respiratory failure; Myopathy, distal, with early respiratory failure, autosomal dominant; EDSTROM MYOPATHY; MYOPATHY, PROXIMAL, WITH EARLY RESPIRATORY MUSCLE INVOLVEMENT. Identifiers: Orphanet 178464, Orphanet 34521, MedGen C1863599, MONDO:0011362, OMIM 603689.
Tibial muscular dystrophy (TMD). Also called: UDD MYOPATHY; Udd Distal Myopathy – Tibial Muscular Dystrophy; Tibial muscular dystrophy, tardive. Identifiers: Orphanet 609, MedGen C1838244, MONDO:0010870, OMIM 600334.

Allele frequency attached by ClinVar (database versions not stated): gnomAD 0.00001; gnomAD exomes 0.00002; ExAC 0.00004; TOPMed 0.00006; ESP Exome Variant Server 0.00008.
gnomAD v4.1: 15 of 1,613,858 alleles (0.00093%); highest among the groups gnomAD compares: Middle Eastern, 0.017%; no homozygotes.

Submissions (8):

Labcorp Genetics (formerly Invitae), Labcorp
Classification: Likely benign for Dilated cardiomyopathy 1G; Autosomal recessive limb-girdle muscular dystrophy type 2J. Last evaluated: 2025-10-29. Review status: criteria provided, single submitter. Criteria: Invitae Variant Classification Sherloc (09022015). Collection method: clinical testing. Allele origin: germline.

Blueprint Genetics
Classification: Likely benign. Last evaluated: 2024-02-22. Review status: criteria provided, single submitter. Criteria: ACMG Guidelines, 2015. Collection method: clinical testing. Allele origin: germline.

Genome-Nilou Lab
Classification: Benign for Autosomal recessive limb-girdle muscular dystrophy type 2J. Last evaluated: 2021-09-10. Review status: criteria provided, single submitter. Criteria: ACMG Guidelines, 2015. Collection method: clinical testing. Allele origin: germline. Affected: no.

Genome-Nilou Lab
Classification: Benign for Myopathy, myofibrillar, 9, with early respiratory failure. Last evaluated: 2021-09-10. Review status: criteria provided, single submitter. Criteria: ACMG Guidelines, 2015. Collection method: clinical testing. Allele origin: germline. Affected: no.

Genome-Nilou Lab
Classification: Benign for Early-onset myopathy with fatal cardiomyopathy. Last evaluated: 2021-09-10. Review status: criteria provided, single submitter. Criteria: ACMG Guidelines, 2015. Collection method: clinical testing. Allele origin: germline. Affected: no.

Genome-Nilou Lab
Classification: Benign for Tibial muscular dystrophy. Last evaluated: 2021-09-10. Review status: criteria provided, single submitter. Criteria: ACMG Guidelines, 2015. Collection method: clinical testing. Allele origin: germline. Affected: no.

Ambry Genetics
Classification: Likely benign for Cardiovascular phenotype. Last evaluated: 2020-09-28. Review status: criteria provided, single submitter. Criteria: Ambry Variant Classification Scheme 2023. Collection method: clinical testing. Allele origin: germline.

GeneDx
Classification: Benign. Last evaluated: 2017-08-03. Review status: criteria provided, single submitter. Criteria: GeneDx Variant Classification (06012015). Collection method: clinical testing. Allele origin: germline. Affected: yes.
Comment: This variant is considered likely benign or benign based on one or more of the following criteria: it is a conservative change, it occurs at a poorly conserved position in the protein, it is predicted to be benign by multiple in silico algorithms, and/or has population frequency not consistent with disease.

NM_001267550.2(TTN):c.2730C>T (p.Thr910=)

Gene: TTN (titin; minus strand). Cytogenetic location: 2q31.2.
Variant type: single nucleotide variant.
Coding change: c.2730C>T on transcript NM_001267550.2 (MANE Select); coding-DNA position 2730, C replaced by T.
Protein change: p.Thr910=; no amino-acid change (threonine 910 retained).
Molecular consequence: synonymous variant.
Genome position (GRCh38, 1-based): chr2:178,784,115, G>A on the plus strand (C>T on the coding strand, the complement: TTN is on the minus strand). VCF-style: chr2-178784115-G-A. GRCh37 (hg19) VCF-style: chr2-179648842-G-A.
Other names: c.2592C>T, p.Thr864= (NM_003319.4, NM_133432.3, NM_133437.4); c.2730C>T, p.Thr910= (NM_133378.4, NM_133379.5, NM_001256850.1).
Identifiers: ClinVar variation 516799 (VCV000516799.16), dbSNP rs375432172, ClinGen allele CA2005750.